The following is an entry in ClinVar:

ClinVar aggregate classification (germline): Benign/Likely benign. Review status: criteria provided, multiple submitters, no conflicts (2 of 4 stars). 3 submissions from 3 submitters: Benign (1); Likely benign (2). Last evaluated 2025-06-03.

Conditions:
Hereditary cancer-predisposing syndrome. Also called: Hereditary neoplastic syndrome; Neoplastic Syndromes, Hereditary; Tumor predisposition; Hereditary Cancer Syndrome. Identifiers: Orphanet 140162, MedGen C0027672, MeSH D009386, MONDO:0015356.
Tuberous sclerosis 2 (TSC2). Identifiers: Orphanet 805, MedGen C1860707, MONDO:0013199, OMIM 613254.

Submissions (3):

Myriad Genetics, Inc.
Classification: Benign for Tuberous sclerosis 2. Last evaluated: 2025-06-03. Review status: criteria provided, single submitter. Criteria: Myriad Autosomal Dominant, Autosomal Recessive and X-Linked Classification Criteria (2023). Collection method: clinical testing. Allele origin: unknown.
Comment: This variant is considered benign. This variant is a silent/synonymous amino acid change and it is not expected to impact splicing.

Labcorp Genetics (formerly Invitae), Labcorp
Classification: Likely benign for Tuberous sclerosis 2. Last evaluated: 2025-01-29. Review status: criteria provided, single submitter. Criteria: Invitae Variant Classification Sherloc (09022015). Collection method: clinical testing. Allele origin: germline.

Ambry Genetics
Classification: Likely benign for Hereditary cancer-predisposing syndrome. Last evaluated: 2019-10-17. Review status: criteria provided, single submitter. Criteria: Ambry Variant Classification Scheme 2023. Collection method: clinical testing. Allele origin: germline.

NM_000548.5(TSC2):c.4431G>A (p.Arg1477=)

Gene: TSC2 (TSC complex subunit 2; plus strand). Cytogenetic location: 16p13.3.
Variant type: single nucleotide variant.
Coding change: c.4431G>A on transcript NM_000548.5 (MANE Select); coding-DNA position 4431, G replaced by A.
Protein change: p.Arg1477=; no amino-acid change (arginine 1477 retained).
Molecular consequence: synonymous variant.
Genome position (GRCh38, 1-based): chr16:2,084,653, G>A. VCF-style: chr16-2084653-G-A. GRCh37 (hg19) VCF-style: chr16-2134654-G-A.
Other names: c.4230G>A, p.Arg1410= (NM_001077183.3); c.4362G>A, p.Arg1454= (NM_001114382.3); c.4122G>A, p.Arg1374= (NM_001318827.2); c.4086G>A, p.Arg1362= (NM_001318829.2); c.3699G>A, p.Arg1233= (NM_001318831.2); c.4263G>A, p.Arg1421= (NM_001318832.2); c.4233G>A, p.Arg1411= (NM_001363528.2); c.4299G>A, p.Arg1433= (NM_001370404.1); and 1 more.
Identifiers: ClinVar variation 733206 (VCV000733206.14), dbSNP rs76934857, ClinGen allele CA493043338.